The following is an entry in ClinVar:

ClinVar aggregate classification (germline): Conflicting classifications of pathogenicity. Review status: criteria provided, conflicting classifications (1 of 4 stars). 3 submissions from 3 submitters: Likely pathogenic (2); Uncertain significance (1). Last evaluated 2023-05-25.

Conditions:
Anemia, nonspherocytic hemolytic, due to G6PD deficiency (CNSHA1). Also called: ANEMIA, CONGENITAL, NONSPHEROCYTIC HEMOLYTIC, 1; Class I glucose-6-phosphate dehydrogenase deficiency; Favism, susceptibility to; Hemolytic anemia due to G6PD deficiency. Identifiers: Orphanet 466026, MedGen C2720289, MONDO:0010480, OMIM 300908.

Submissions (3):

Labcorp Genetics (formerly Invitae), Labcorp
Classification: Uncertain significance for Anemia, nonspherocytic hemolytic, due to G6PD deficiency. Last evaluated: 2023-05-25. Review status: criteria provided, single submitter. Criteria: Invitae Variant Classification Sherloc (09022015). Collection method: clinical testing. Allele origin: germline.
Comment: In summary, the available evidence is currently insufficient to determine the role of this variant in disease. Therefore, it has been classified as a Variant of Uncertain Significance. Experimental studies have shown that this missense change does not substantially affect G6PD function (PMID: 31489982, 33708821). Advanced modeling of protein sequence and biophysical properties (such as structural, functional, and spatial information, amino acid conservation, physicochemical variation, residue mobility, and thermodynamic stability) performed at Invitae indicates that this missense variant is expected to disrupt G6PD protein function. ClinVar contains an entry for this variant (Variation ID: 1098498). This variant is also known as c.242C>T p.Thr81Ile. This missense change has been observed in individual(s) with G6PD-related conditions (PMID: 33708821, 34272389). This variant is not present in population databases (gnomAD no frequency). This sequence change replaces threonine, which is neutral and polar, with isoleucine, which is neutral and non-polar, at codon 51 of the G6PD protein (p.Thr51Ile).

Dunham Lab, University of Washington
Classification: Likely pathogenic for Anemia, nonspherocytic hemolytic, due to G6PD deficiency. Last evaluated: 2022-08-12. Review status: criteria provided, single submitter. Criteria: Bayesian ACMG Guidelines, 2018. Collection method: curation. Allele origin: maternal. Affected: yes.
Comment: Decreased activity in red blood cells of hemizygote (PS3). Not observed in gnomAD (PM2). Post_P 0.975 (odds of pathogenicity 350.3, Prior_P 0.1).

Genomic Medicine Center of Excellence, King Faisal Specialist Hospital and Research Centre
Classification: Likely pathogenic for Anemia, nonspherocytic hemolytic, due to G6PD deficiency. Last evaluated: 2021-04-28. Review status: criteria provided, single submitter. Criteria: ACMG Guidelines, 2015. Collection method: research. Allele origin: germline.

Literature cited by the submitters: PubMed 31489982 (cited by Labcorp Genetics (formerly Invitae), Labcorp and Dunham Lab, University of Washington); PubMed 33708821 (cited by Labcorp Genetics (formerly Invitae), Labcorp); PubMed 34272389 (cited by Labcorp Genetics (formerly Invitae), Labcorp).

NM_001360016.2(G6PD):c.152C>T (p.Thr51Ile)

Gene: G6PD (glucose-6-phosphate dehydrogenase; minus strand). Cytogenetic location: Xq28.
Variant type: single nucleotide variant.
Coding change: c.152C>T on transcript NM_001360016.2 (MANE Select); coding-DNA position 152, C replaced by T.
Protein change: p.Thr51Ile; replaces threonine 51 with isoleucine.
Molecular consequence: missense variant.
Genome position (GRCh38, 1-based): chrX:154,536,147, G>A on the plus strand (C>T on the coding strand, the complement: G6PD is on the minus strand). VCF-style: chrX-154536147-G-A. GRCh37 (hg19) VCF-style: chrX-153764362-G-A.
Other names: c.242C>T, p.Thr81Ile (NM_000402.4); c.152C>T, p.Thr51Ile (NM_001042351.3); short protein forms T51I, T81I.
Identifiers: ClinVar variation 1098498 (VCV001098498.7), dbSNP rs2148332084, ClinGen allele CA415240100.